The following is an entry in ClinVar:

ClinVar aggregate classification (germline): Likely pathogenic. Review status: criteria provided, multiple submitters, no conflicts (2 of 4 stars). 2 submissions from 2 submitters: Likely pathogenic (2). Last evaluated 2018-07-01.

Conditions:
Tubulinopathy. Also called: Tubulinopathies. Identifiers: MedGen CN850169, MONDO:0100153.

Submissions (2):

Institute of Human Genetics, FAU Erlangen, Friedrich-Alexander-Universität Erlangen-Nürnberg
Classification: Likely pathogenic for Tubulinopathies. Last evaluated: 2018-07-01. Review status: criteria provided, single submitter. Criteria: ACMG Guidelines, 2015. Collection method: literature only. Allele origin: germline. Affected: yes. Observed: 1 variant allele.
Comment: The c.916G>T, p.(Asp306Tyr) variant has been reported as a variant of germline/unknown origin.

GeneDx
Classification: Likely pathogenic. Last evaluated: 2017-10-03. Review status: criteria provided, single submitter. Criteria: GeneDx Variant Classification (06012015). Collection method: clinical testing. Allele origin: germline. Affected: yes.
Comment: The D306Y variant in the TUBA1A gene has not been reported previously as a pathogenic variant, nor as a benign variant, to our knowledge. The D306Y variant is not observed in large population cohorts (Lek et al., 2016). The D306Y variant is a non-conservative amino acid substitution, which is likely to impact secondary protein structure as these residues differ in polarity, charge, size and/or other properties. This substitution occurs at a position that is conserved across species. In silico analysis predicts this variant is probably damaging to the protein structure/function. We interpret D306Y as a likely pathogenic variant.

Literature cited by the submitters: PubMed 30744660 (cited by Institute of Human Genetics, FAU Erlangen, Friedrich-Alexander-Universität Erlangen-Nürnberg); DOI 10.1101/427948 (cited by Institute of Human Genetics, FAU Erlangen, Friedrich-Alexander-Universität Erlangen-Nürnberg).

NM_006009.4(TUBA1A):c.916G>T (p.Asp306Tyr)

Gene: TUBA1A (tubulin alpha 1a; minus strand). Cytogenetic location: 12q13.12.
Variant type: single nucleotide variant.
Coding change: c.916G>T on transcript NM_006009.4 (MANE Select); coding-DNA position 916, G replaced by T.
Protein change: p.Asp306Tyr; replaces aspartic acid 306 with tyrosine.
Molecular consequence: missense variant.
Genome position (GRCh38, 1-based): chr12:49,185,450, C>A on the plus strand (G>T on the coding strand, the complement: TUBA1A is on the minus strand). VCF-style: chr12-49185450-C-A. GRCh37 (hg19) VCF-style: chr12-49579233-C-A.
Other names: c.916G>T, p.Asp306Tyr (NM_001270399.2); c.811G>T, p.Asp271Tyr (NM_001270400.2); short protein forms D306Y, D271Y.
Identifiers: ClinVar variation 452573 (VCV000452573.3), dbSNP rs1555162330, ClinGen allele CA384638429.